The following is an entry in ClinVar:

NM_018723.4(RBFOX1):c.292A>G (p.Thr98Ala)

Genes: RBFOX1 (RNA binding fox-1 homolog 1; plus strand), LOC126862278 (CDK7 strongly-dependent group 2 enhancer GRCh37_chr16:7629446-7630645; plus strand). Cytogenetic location: 16p13.3.
Variant type: single nucleotide variant.
Coding change: c.292A>G on transcript NM_018723.4 (MANE Select); coding-DNA position 292, A replaced by G.
Protein change: p.Thr98Ala; replaces threonine 98 with alanine.
Molecular consequence: missense variant.
Genome position (GRCh38, 1-based): chr16:7,579,798, A>G. VCF-style: chr16-7579798-A-G. GRCh37 (hg19) VCF-style: chr16-7629800-A-G.
Other names: c.292A>G, p.Thr98Ala (NM_001142333.2, NM_001142334.2, NM_001364800.2); c.421A>G, p.Thr141Ala (NM_001308117.1); c.352A>G, p.Thr118Ala (NM_145891.3, NM_145892.3, NM_145893.3); short protein forms T118A, T141A, T98A.
Identifiers: ClinVar variation 1017747 (VCV001017747.9), dbSNP rs769491451, ClinGen allele CA7891432.

ClinVar aggregate classification (germline): Uncertain significance (1 of 4 stars; one submission).

Conditions:
Idiopathic generalized epilepsy. Also called: EIG; Generalised epilepsy. Identifiers: MedGen C0270850, MONDO:0005579, OMIM 600669.

Allele frequency attached by ClinVar (database versions not stated): ExAC 0.00001; gnomAD exomes 0.00001; TOPMed 0.00001; gnomAD 0.00002.
gnomAD v4.1: 16 of 1,613,970 alleles (0.00099%); highest among the groups gnomAD compares: African/African-American, 0.0013%; no homozygotes.

Submission:

Labcorp Genetics (formerly Invitae), Labcorp
Classification: Uncertain significance for Idiopathic generalized epilepsy. Last evaluated: 2022-02-08. Review status: criteria provided, single submitter. Criteria: Invitae Variant Classification Sherloc (09022015). Collection method: clinical testing. Allele origin: germline.
Comment: In summary, the available evidence is currently insufficient to determine the role of this variant in disease. Therefore, it has been classified as a Variant of Uncertain Significance. Algorithms developed to predict the effect of missense changes on protein structure and function (SIFT, PolyPhen-2, Align-GVGD) all suggest that this variant is likely to be tolerated. This sequence change replaces threonine, which is neutral and polar, with alanine, which is neutral and non-polar, at codon 118 of the RBFOX1 protein (p.Thr118Ala). This variant is present in population databases (rs769491451, gnomAD 0.003%). This variant has not been reported in the literature in individuals affected with RBFOX1-related conditions. ClinVar contains an entry for this variant (Variation ID: 1017747).